The following is an entry in ClinVar:

NM_031935.3(HMCN1):c.16625C>T (p.Pro5542Leu)

Gene: HMCN1 (hemicentin 1; plus strand). Cytogenetic location: 1q31.1.
Variant type: single nucleotide variant.
Coding change: c.16625C>T on transcript NM_031935.3 (MANE Select); coding-DNA position 16625, C replaced by T.
Protein change: p.Pro5542Leu; replaces proline 5542 with leucine.
Molecular consequence: missense variant.
Genome position (GRCh38, 1-based): chr1:186,189,595, C>T. VCF-style: chr1-186189595-C-T. GRCh37 (hg19) VCF-style: chr1-186158727-C-T.
Other names: short protein forms P5542L.
Identifiers: ClinVar variation 4719599 (VCV004719599.1).

ClinVar aggregate classification (germline): Uncertain significance (1 of 4 stars; one submission).

Submission:

Labcorp Genetics (formerly Invitae), Labcorp
Classification: Uncertain significance. Last evaluated: 2025-05-14. Review status: criteria provided, single submitter. Criteria: Invitae Variant Classification Sherloc (09022015). Collection method: clinical testing. Allele origin: germline.
Comment: This sequence change replaces proline, which is neutral and non-polar, with leucine, which is neutral and non-polar, at codon 5542 of the HMCN1 protein (p.Pro5542Leu). This variant is not present in population databases (gnomAD no frequency). This variant has not been reported in the literature in individuals affected with HMCN1-related conditions. An algorithm developed to predict the effect of missense changes on protein structure and function (PolyPhen-2) suggests that this variant is likely to be disruptive. In summary, the available evidence is currently insufficient to determine the role of this variant in disease. Therefore, it has been classified as a Variant of Uncertain Significance.